The following is an entry in ClinVar:

ClinVar aggregate classification (germline): Uncertain significance (1 of 4 stars; one submission).

Submission:

Labcorp Genetics (formerly Invitae), Labcorp
Classification: Uncertain significance. Last evaluated: 2022-07-31. Review status: criteria provided, single submitter. Criteria: Invitae Variant Classification Sherloc (09022015). Collection method: clinical testing. Allele origin: germline.
Comment: In summary, the available evidence is currently insufficient to determine the role of this variant in disease. Therefore, it has been classified as a Variant of Uncertain Significance. Algorithms developed to predict the effect of missense changes on protein structure and function are either unavailable or do not agree on the potential impact of this missense change (SIFT: "Tolerated"; PolyPhen-2: "Possibly Damaging"; Align-GVGD: "Class C0"). This variant has not been reported in the literature in individuals affected with LARS2-related conditions. This variant is not present in population databases (gnomAD no frequency). This sequence change replaces valine, which is neutral and non-polar, with leucine, which is neutral and non-polar, at codon 855 of the LARS2 protein (p.Val855Leu).

NM_015340.4(LARS2):c.2563G>C (p.Val855Leu)

Gene: LARS2 (leucyl-tRNA synthetase 2, mitochondrial; plus strand). Cytogenetic location: 3p21.31.
Variant type: single nucleotide variant.
Coding change: c.2563G>C on transcript NM_015340.4 (MANE Select); coding-DNA position 2563, G replaced by C.
Protein change: p.Val855Leu; replaces valine 855 with leucine.
Molecular consequence: missense variant.
Genome position (GRCh38, 1-based): chr3:45,547,381, G>C. VCF-style: chr3-45547381-G-C. GRCh37 (hg19) VCF-style: chr3-45588873-G-C.
Other names: c.2563G>C, p.Val855Leu (NM_001368263.1); short protein forms V855L.
Identifiers: ClinVar variation 2186864 (VCV002186864.3), dbSNP rs1700891072, ClinGen allele CA352431119.